The following is an entry in ClinVar:

ClinVar aggregate classification (germline): Conflicting classifications of pathogenicity. Review status: criteria provided, conflicting classifications (1 of 4 stars). 3 submissions from 3 submitters: Uncertain significance (2); Benign (1). Last evaluated 2023-12-22.

Conditions:
Neurodevelopmental disorder, MTOR related. Identifiers: MedGen CN240381.
Inborn genetic diseases. Identifiers: MedGen C0950123, MeSH D030342.

Allele frequency attached by ClinVar (database versions not stated): gnomAD 0.00001; gnomAD exomes 0.00002 and 0.00003; TOPMed 0.00002; ExAC 0.00003; ESP Exome Variant Server 0.00008.
gnomAD v4.1: 28 of 1,614,054 alleles (0.0017%); highest among the groups gnomAD compares: South Asian, 0.0022%; no homozygotes.

Submissions (3):

Labcorp Genetics (formerly Invitae), Labcorp
Classification: Benign. Last evaluated: 2023-12-22. Review status: criteria provided, single submitter. Criteria: Invitae Variant Classification Sherloc (09022015). Collection method: clinical testing. Allele origin: germline.

Ambry Genetics
Classification: Uncertain significance for Inborn genetic diseases. Last evaluated: 2022-07-08. Review status: criteria provided, single submitter. Criteria: Ambry Variant Classification Scheme 2023. Collection method: clinical testing. Allele origin: germline.

CeGaT Center for Human Genetics Tuebingen
Classification: Uncertain significance. Last evaluated: 2022-03-01. Review status: criteria provided, single submitter. Criteria: CeGaT Center For Human Genetics Tuebingen Variant Classification Criteria Version 2. Collection method: clinical testing. Allele origin: germline. Affected: yes. Observed: 1 variant allele.
Comment: MTOR: PP2

NM_004958.4(MTOR):c.6875A>G (p.Asn2292Ser)

Gene: MTOR (mechanistic target of rapamycin kinase; minus strand). Cytogenetic location: 1p36.22.
Variant type: single nucleotide variant.
Coding change: c.6875A>G on transcript NM_004958.4 (MANE Select); coding-DNA position 6875, A replaced by G.
Protein change: p.Asn2292Ser; replaces asparagine 2292 with serine.
Molecular consequence: missense variant.
Genome position (GRCh38, 1-based): chr1:11,121,304, T>C on the plus strand (A>G on the coding strand, the complement: MTOR is on the minus strand). VCF-style: chr1-11121304-T-C. GRCh37 (hg19) VCF-style: chr1-11181361-T-C.
Other names: short protein forms N2292S.
Identifiers: ClinVar variation 863366 (VCV000863366.44), dbSNP rs374052581, ClinGen allele CA588986.
Genomic context (GRCh38, chr1:11,121,304, plus strand): 5'-ACCTCGGAGCTGGGGCTTTTCAGCCACAGCAGCTTGGCCAGGTCGTCCCCAGCTGTATTA[T>C]TGACGGCATGCTCAAACACCTCCACCTTCTGCATCAGAGTCAAGTGGTCATAGTCCGGAG-3'
Protein context (NP_004949.1, residues 2282-2302): QKVEVFEHAV[Asn2292Ser]NTAGDDLAKL